The following is an entry in ClinVar:

NM_000414.4(HSD17B4):c.187A>T (p.Arg63Ter)

Gene: HSD17B4 (hydroxysteroid 17-beta dehydrogenase 4; plus strand). Cytogenetic location: 5q23.1.
Variant type: single nucleotide variant.
Coding change: c.187A>T on transcript NM_000414.4 (MANE Select); coding-DNA position 187, A replaced by T.
Protein change: p.Arg63Ter; replaces arginine 63 with a stop codon.
Molecular consequence: nonsense. On other transcripts: 5 prime UTR variant (6), non-coding transcript variant (2).
Genome position (GRCh38, 1-based): chr5:119,473,982, A>T. VCF-style: chr5-119473982-A-T. GRCh37 (hg19) VCF-style: chr5-118809677-A-T.
Other names: c.262A>T, p.Arg88Ter (NM_001199291.3); c.133A>T, p.Arg45Ter (NM_001199292.2); c.115A>T, p.Arg39Ter (NM_001292027.2); c.-225A>T (NM_001292028.2, NM_001374501.1); c.187A>T, p.Arg63Ter (NM_001374497.1, NM_001374498.1); c.-94A>T (NM_001374499.1); c.-352A>T (NM_001374500.1); c.-230A>T (NM_001374502.1, NM_001374503.1); short protein forms R88*, R39*, R45*, R63*.
Identifiers: ClinVar variation 2948867 (VCV002948867.3), dbSNP rs772581324, ClinGen allele CA360864457.

ClinVar aggregate classification (germline): Pathogenic (1 of 4 stars; one submission).

Conditions:
Bifunctional peroxisomal enzyme deficiency (DBIF). Also called: DBP DEFICIENCY; PBFE DEFICIENCY; D-bifunctional protein deficiency. Identifiers: Orphanet 300, MedGen C0342870, MONDO:0009855, OMIM 261515. Disease mechanism: loss of function.
Perrault syndrome. Also called: Gonadal dysgenesis with auditory dysfunction, autosomal recessive inheritance. Identifiers: Orphanet 2855, MedGen C0685838, MONDO:0017312.

Submission:

Labcorp Genetics (formerly Invitae), Labcorp
Classification: Pathogenic for Perrault syndrome; Bifunctional peroxisomal enzyme deficiency. Last evaluated: 2023-06-15. Review status: criteria provided, single submitter. Criteria: Invitae Variant Classification Sherloc (09022015). Collection method: clinical testing. Allele origin: germline.
Comment: For these reasons, this variant has been classified as Pathogenic. This sequence change creates a premature translational stop signal (p.Arg63*) in the HSD17B4 gene. It is expected to result in an absent or disrupted protein product. Loss-of-function variants in HSD17B4 are known to be pathogenic (PMID: 11810648, 16385454, 20673864). This variant is not present in population databases (gnomAD no frequency). This variant has not been reported in the literature in individuals affected with HSD17B4-related conditions.

Literature cited by the submitters: PubMed 11810648; PubMed 16385454; PubMed 20673864.